The following is an entry in ClinVar:

NM_001018113.3(FANCB):c.2019G>C (p.Lys673Asn)

Gene: FANCB (FA complementation group B; minus strand). Cytogenetic location: Xp22.2.
Variant type: single nucleotide variant.
Coding change: c.2019G>C on transcript NM_001018113.3 (MANE Select); coding-DNA position 2019, G replaced by C.
Protein change: p.Lys673Asn; replaces lysine 673 with asparagine.
Molecular consequence: missense variant.
Genome position (GRCh38, 1-based): chrX:14,844,649, C>G on the plus strand (G>C on the coding strand, the complement: FANCB is on the minus strand). VCF-style: chrX-14844649-C-G. GRCh37 (hg19) VCF-style: chrX-14862771-C-G.
Other names: c.2019G>C, p.Lys673Asn (NM_001324162.2, NM_152633.4); short protein forms K673N.
Identifiers: ClinVar variation 954557 (VCV000954557.7), dbSNP rs1416043928, ClinGen allele CA412438768.

ClinVar aggregate classification (germline): Uncertain significance. Review status: criteria provided, multiple submitters, no conflicts (2 of 4 stars). 2 submissions from 2 submitters: Uncertain significance (2). Last evaluated 2025-03-20.

Conditions:
Fanconi anemia (FA). Also called: Fanconi's anemia. Identifiers: Orphanet 84, MedGen C0015625, MeSH D005199, MONDO:0019391.

Allele frequency attached by ClinVar (database versions not stated): gnomAD exomes below 0.00001 and 0.00001; TOPMed below 0.00001.
gnomAD v4.1: 3 of 1,209,554 alleles (0.00025%); highest among the groups gnomAD compares: Non-Finnish European, 0.00011%; no homozygotes.

Submissions (2):

Labcorp Genetics (formerly Invitae), Labcorp
Classification: Uncertain significance for Fanconi anemia. Last evaluated: 2025-03-20. Review status: criteria provided, single submitter. Criteria: Invitae Variant Classification Sherloc (09022015). Collection method: clinical testing. Allele origin: germline.
Comment: This sequence change replaces lysine, which is basic and polar, with asparagine, which is neutral and polar, at codon 673 of the FANCB protein (p.Lys673Asn). This variant is present in population databases (no rsID available, gnomAD 0.001%). This variant has not been reported in the literature in individuals affected with FANCB-related conditions. ClinVar contains an entry for this variant (Variation ID: 954557). Invitae Evidence Modeling of protein sequence and biophysical properties (such as structural, functional, and spatial information, amino acid conservation, physicochemical variation, residue mobility, and thermodynamic stability) indicates that this missense variant is not expected to disrupt FANCB protein function with a negative predictive value of 80%. In summary, the available evidence is currently insufficient to determine the role of this variant in disease. Therefore, it has been classified as a Variant of Uncertain Significance.

Sema4
Classification: Uncertain significance for Fanconi anemia. Last evaluated: 2022-03-16. Review status: criteria provided, single submitter. Criteria: Sema4 Curation Guidelines. Collection method: curation. Allele origin: germline.
Comment: The FANCB c.2019G>C (p.K673N) variant has not been reported in the literature to our knowledge. It was observed in 1/81743 chromosomes of the Non-Finnish European subpopulation in the large and broad cohorts of the Genome Aggregation Database (PMID: 32461654). This variant has been reported in ClinVar (Variation ID 954557). In silico tools suggest the impact of the variant on protein function is benign, though these predictions have not been confirmed by functional studies. The evidence is insufficient to meet ACMG/AMP criteria for classifying the variant as benign or pathogenic. Thus, the clinical significance of this variant is currently uncertain.